The following is an entry in ClinVar:

ClinVar aggregate classification (germline): Uncertain significance (1 of 4 stars; one submission).

Conditions:
Neurodevelopmental disorder with speech impairment and with or without seizures. Also called: Neurodevelopmental disorder with variable intellectual disability and speech impairment, with or without seizures. Identifiers: MedGen C5774252, MONDO:0859313, OMIM 620114.

Submission:

Laboratorio de Genetica e Diagnostico Molecular, Hospital Israelita Albert Einstein
Classification: Uncertain significance for Neurodevelopmental disorder with speech impairment and with or without seizures. Last evaluated: 2025-04-07. Review status: criteria provided, single submitter. Criteria: ACMG Guidelines, 2015. Collection method: clinical testing. Allele origin: germline. Affected: yes.
Comment: ACMG classification criteria: PM2 supporting, PP2 supporting, PP3 supporting

NM_021096.4(CACNA1I):c.3898A>C (p.Ile1300Leu)

Gene: CACNA1I (calcium voltage-gated channel subunit alpha1 I; plus strand). Cytogenetic location: 22q13.1.
Variant type: single nucleotide variant.
Coding change: c.3898A>C on transcript NM_021096.4 (MANE Select); coding-DNA position 3898, A replaced by C.
Protein change: p.Ile1300Leu; replaces isoleucine 1300 with leucine.
Molecular consequence: missense variant.
Genome position (GRCh38, 1-based): chr22:39,665,544, A>C. VCF-style: chr22-39665544-A-C. GRCh37 (hg19) VCF-style: chr22-40061549-A-C.
Other names: c.3793A>C, p.Ile1265Leu (NM_001003406.2); short protein forms I1265L, I1300L.
Identifiers: ClinVar variation 3902033 (VCV003902033.1).
Genomic context (GRCh38, chr22:39,665,544, plus strand): 5'-CTCCCTGCCGTCAGTGTCATCAGCCGGGCGCCGGGCCTGAAGCTGGTGGTGGAGACACTC[A>C]TCTCCTCCCTCAAGCCCATCGGCAACATCGTGCTCATCTGCTGTGCCTTCTTCATCATCT-3'
Protein context (NP_066919.2, residues 1290-1310): PGLKLVVETL[Ile1300Leu]SSLKPIGNIV